The following is an entry in ClinVar:

NM_006231.4(POLE):c.5851G>A (p.Glu1951Lys)

Gene: POLE (DNA polymerase epsilon, catalytic subunit; minus strand). Cytogenetic location: 12q24.33.
Variant type: single nucleotide variant.
Coding change: c.5851G>A on transcript NM_006231.4 (MANE Select); coding-DNA position 5851, G replaced by A.
Protein change: p.Glu1951Lys; replaces glutamic acid 1951 with lysine.
Molecular consequence: missense variant.
Genome position (GRCh38, 1-based): chr12:132,634,339, C>T on the plus strand (G>A on the coding strand, the complement: POLE is on the minus strand). VCF-style: chr12-132634339-C-T. GRCh37 (hg19) VCF-style: chr12-133210925-C-T.
Other names: short protein forms E1951K.
Identifiers: ClinVar variation 641841 (VCV000641841.14), dbSNP rs768917089, ClinGen allele CA6892355.

ClinVar aggregate classification (germline): Conflicting classifications of pathogenicity. Review status: criteria provided, conflicting classifications (1 of 4 stars). 3 submissions from 3 submitters: Uncertain significance (2); Likely benign (1). Last evaluated 2026-06-07.

Conditions:
Hereditary cancer-predisposing syndrome. Also called: Neoplastic Syndromes, Hereditary; Tumor predisposition; Hereditary Cancer Syndrome; Hereditary neoplastic syndrome. Identifiers: Orphanet 140162, MedGen C0027672, MeSH D009386, MONDO:0015356.

Allele frequency attached by ClinVar (database versions not stated): gnomAD exomes below 0.00001; ExAC 0.00001; gnomAD 0.00001; TOPMed 0.00001.
gnomAD v4.1: 5 of 1,613,936 alleles (0.00031%); highest among the groups gnomAD compares: Non-Finnish European, 0.00042%; no homozygotes.

Submissions (3):

Women's Health and Genetics/Laboratory Corporation of America, LabCorp
Classification: Uncertain significance. Last evaluated: 2026-06-07. Review status: criteria provided, single submitter. Criteria: LabCorp Variant Classification Summary - May 2015. Collection method: clinical testing. Allele origin: germline.

Labcorp Genetics (formerly Invitae), Labcorp
Classification: Uncertain significance. Last evaluated: 2025-08-13. Review status: criteria provided, single submitter. Criteria: Invitae Variant Classification Sherloc (09022015). Collection method: clinical testing. Allele origin: germline.
Comment: This sequence change replaces glutamic acid, which is acidic and polar, with lysine, which is basic and polar, at codon 1951 of the POLE protein (p.Glu1951Lys). This variant is present in population databases (rs768917089, gnomAD 0.0009%). This variant has not been reported in the literature in individuals affected with POLE-related conditions. ClinVar contains an entry for this variant (Variation ID: 641841). An algorithm developed to predict the effect of missense changes on protein structure and function (PolyPhen-2) suggests that this variant is likely to be tolerated. In summary, the available evidence is currently insufficient to determine the role of this variant in disease. Therefore, it has been classified as a Variant of Uncertain Significance.

Ambry Genetics
Classification: Likely benign for Hereditary cancer-predisposing syndrome. Last evaluated: 2025-06-12. Review status: criteria provided, single submitter. Criteria: Ambry Variant Classification Scheme 2023. Collection method: clinical testing. Allele origin: germline.